The following is an entry in ClinVar:

ClinVar aggregate classification (germline): Uncertain significance (1 of 4 stars; one submission).

Submission:

Labcorp Genetics (formerly Invitae), Labcorp
Classification: Uncertain significance. Last evaluated: 2023-09-29. Review status: criteria provided, single submitter. Criteria: Invitae Variant Classification Sherloc (09022015). Collection method: clinical testing. Allele origin: germline.
Comment: In summary, the available evidence is currently insufficient to determine the role of this variant in disease. Therefore, it has been classified as a Variant of Uncertain Significance. Advanced modeling of protein sequence and biophysical properties (such as structural, functional, and spatial information, amino acid conservation, physicochemical variation, residue mobility, and thermodynamic stability) has been performed at Invitae for this missense variant, however the output from this modeling did not meet the statistical confidence thresholds required to predict the impact of this variant on NOTCH3 protein function. This missense change has been observed in individual(s) with clinical features consistent with cerebral arteriopathy with subcortical infarcts and leukoencephalopathy 1 (Invitae). This variant is not present in population databases (gnomAD no frequency). This sequence change replaces glycine, which is neutral and non-polar, with cysteine, which is neutral and slightly polar, at codon 1414 of the NOTCH3 protein (p.Gly1414Cys).

NM_000435.3(NOTCH3):c.4240G>T (p.Gly1414Cys)

Genes: NOTCH3 (notch receptor 3; minus strand), LOC130063807 (ATAC-STARR-seq lymphoblastoid silent region 10267; plus strand). Cytogenetic location: 19p13.12.
Variant type: single nucleotide variant.
Coding change: c.4240G>T on transcript NM_000435.3 (MANE Select); coding-DNA position 4240, G replaced by T.
Protein change: p.Gly1414Cys; replaces glycine 1414 with cysteine.
Molecular consequence: missense variant.
Genome position (GRCh38, 1-based): chr19:15,177,688, C>A on the plus strand (G>T on the coding strand, the complement: NOTCH3 is on the minus strand). VCF-style: chr19-15177688-C-A. GRCh37 (hg19) VCF-style: chr19-15288499-C-A.
Other names: short protein forms G1414C.
Identifiers: ClinVar variation 2764355 (VCV002764355.3), dbSNP rs1393495970, ClinGen allele CA404503983.